The following is an entry in ClinVar:

NM_024577.4(SH3TC2):c.657C>T (p.Gly219=)

Gene: SH3TC2 (SH3 domain and tetratricopeptide repeats 2; minus strand). Cytogenetic location: 5q32.
Variant type: single nucleotide variant.
Coding change: c.657C>T on transcript NM_024577.4 (MANE Select); coding-DNA position 657, C replaced by T.
Protein change: p.Gly219=; no amino-acid change (glycine 219 retained).
Molecular consequence: synonymous variant.
Genome position (GRCh38, 1-based): chr5:149,041,490, G>A on the plus strand (C>T on the coding strand, the complement: SH3TC2 is on the minus strand). VCF-style: chr5-149041490-G-A. GRCh37 (hg19) VCF-style: chr5-148421053-G-A.
Identifiers: ClinVar variation 1384144 (VCV001384144.7), dbSNP rs781321213, ClinGen allele CA3499442.

ClinVar aggregate classification (germline): Uncertain significance (1 of 4 stars; one submission).

Conditions:
Charcot-Marie-Tooth disease type 4. Also called: Charcot-Marie-Tooth disease, type IV; Charcot-Marie-Tooth, Type 4. Identifiers: Orphanet 64749, MedGen C4082197, MONDO:0018995.

Allele frequency attached by ClinVar (database versions not stated): TOPMed below 0.00001; ExAC 0.00001; gnomAD 0.00001; gnomAD exomes 0.00001.
gnomAD v4.1: 17 of 1,613,982 alleles (0.0011%); highest among the groups gnomAD compares: Non-Finnish European, 0.0014%; no homozygotes.

Submission:

Labcorp Genetics (formerly Invitae), Labcorp
Classification: Uncertain significance for Charcot-Marie-Tooth disease type 4. Last evaluated: 2021-06-08. Review status: criteria provided, single submitter. Criteria: Invitae Variant Classification Sherloc (09022015). Collection method: clinical testing. Allele origin: germline.
Comment: In summary, the available evidence is currently insufficient to determine the role of this variant in disease. Therefore, it has been classified as a Variant of Uncertain Significance. This sequence change affects codon 219 of the SH3TC2 mRNA. It is a 'silent' change, meaning that it does not change the encoded amino acid sequence of the SH3TC2 protein. This variant is present in population databases (rs781321213, ExAC 0.002%). This variant has not been reported in the literature in individuals with SH3TC2-related conditions. Algorithms developed to predict the effect of sequence changes on RNA splicing suggest that this variant may create or strengthen a splice site, but this prediction has not been confirmed by published transcriptional studies.